The following is an entry in ClinVar:

NM_000156.6(GAMT):c.91_92insCACGG (p.Asp31fs)

Genes: GAMT (guanidinoacetate N-methyltransferase; minus strand), LOC130062945 (ATAC-STARR-seq lymphoblastoid silent region 9707; plus strand). Cytogenetic location: 19p13.3.
Variant type: Insertion.
Coding change: c.91_92insCACGG on transcript NM_000156.6 (MANE Select); coding-DNA positions 91 to 92, CACGG inserted.
Protein change: p.Asp31fs; shifts the reading frame from aspartic acid 31.
Molecular consequence: frameshift variant.
Genome position: GRCh38 VCF-style: chr19-1401385-T-TCCGTG. GRCh37 (hg19) VCF-style: chr19-1401384-T-TCCGTG.
Other names: NM_000156.6(GAMT):c.91_92insCACGG; p.Asp31fs; c.91_92insCACGG, p.Asp31fs (NM_138924.3); short protein forms D31fs.
Identifiers: ClinVar variation 939992 (VCV000939992.18), dbSNP rs1443859067, ClinGen allele CA631301069.
Genomic context (GRCh38, chr19:1,401,385, plus strand): 5'-TGCATATAGGGGGTCTCCCAGCGCTCCATCACCGGCTTGCCCAGGATGCGCAGGTGCGTG[T>TCCGTG]CCGCTGCGTCGTAGGCCGCGGGCGCCGCCCCCCACGCGGGGCTGCAGTTCTCGCCGGGCG-3'

ClinVar aggregate classification (germline): Likely pathogenic. Review status: reviewed by expert panel (3 of 4 stars). 5 submissions from 5 submitters: Likely pathogenic (1). 4 of the submissions do not count toward it. Last evaluated 2025-10-07.

Conditions:
Cerebral creatine deficiency syndrome. Also called: Creatine deficiency syndromes. Identifiers: Orphanet 79172, MedGen C5244016, MONDO:0000456.
Deficiency of guanidinoacetate methyltransferase (CCDS2). Also called: GAMT DEFICIENCY; CEREBRAL CREATINE DEFICIENCY SYNDROME 2; Guanidinoacetate Methyltransferase (GAMT) Deficiency. Identifiers: Orphanet 382, MedGen C0574080, MONDO:0012999, OMIM 612736.

Submissions (5):

ClinGen Cerebral Creatine Deficiency Syndromes Variant Curation Expert Panel, ClinGen
Classification: Likely pathogenic for Deficiency of guanidinoacetate methyltransferase. Last evaluated: 2025-10-07. Review status: reviewed by expert panel. Criteria: ClinGen CCDS ACMG Specifications GAMT V2.0.0. Collection method: curation. Allele origin: germline. Inheritance: Autosomal recessive inheritance.
Comment: The NM_000156.6:c.91_92insCACGG (Asp31AlafsTer13) variant in GAMT is a frameshift variant predicted to cause a premature stop codon in biologically relevant exon 1 out of a total of 6 exons, leading to nonsense mediated decay in a gene in which loss-of-function is an established disease mechanism (PVS1). The highest population minor allele frequency in gnomAD v4.1.0. is 0.00005621 (2/35578 alleles) in the East Asian population, which is lower than the ClinGen CCDS VCEP’s threshold for PM2_Supporting (<0.0004), meeting this criterion (PM2_Supporting). To our knowledge, this variant has not been reported in the literature in individuals with GAMT deficiency. There is a ClinVar entry for this variant (Variation ID: 939992). The classification of this variant has been upgraded from Variant of Uncertain Significance to Likely Pathogenic based on the recommendations of the ClinGen Sequence Variant Interpretation Working Group, that a variant meeting PVS1 and PM2_Supporting is classified as Likely Pathogenic. In summary, this variant meets the criteria to be classified as likely pathogenic for GAMT deficiency based on the ACMG/AMP criteria applied, as specified by the ClinGen Cerebral Creatine Deficiency Syndromes Variant Curation Expert Panel (Specifications Version 2.0.0): PVS1, PM2_Supporting. (Classification approved by the ClinGen CCDS VCEP on October 7, 2025).

Broad Center for Mendelian Genomics, Broad Institute of MIT and Harvard
Classification: Likely pathogenic for Cerebral creatine deficiency syndrome. Last evaluated: 2025-05-05. Review status: criteria provided, single submitter. Criteria: ACMG Guidelines, 2015. Collection method: curation. Allele origin: germline. Inheritance: Autosomal recessive inheritance. Not counted in ClinVar's aggregate classification.
Comment: The p.Asp31fs variant in GAMT has not been previously reported in individuals with cerebral creatine deficiency syndrome, but has been identified in 0.006% (2/35578) of East Asian chromosomes by the Genome Aggregation Database (gnomAD; dbSNP ID: rs796052531). Although this variant has been seen in the general population in a heterozygous state, its frequency is low enough to be consistent with a recessive carrier frequency. This variant has also been reported in ClinVar (Variation ID#: 939992) and has been interpreted as likely pathogenic/pathogenic by Baylor Genetics, Revvity Omics, ClinGen Cerebral Creatine Deficiency Syndromes Variant Curation Expert Panel, and Labcorp Genetics. This variant is predicted to cause a frameshift, which alters the protein’s amino acid sequence beginning at position 31 and leads to a premature termination codon 13 amino acids downstream. Loss of function of the GAMT gene is an established disease mechanism in autosomal recessive cerebral creatine deficiency syndrome. In summary, although additional studies are required to fully establish its clinical significance, this variant is likely pathogenic for autosomal recessive cerebral creatine deficiency syndrome. ACMG/AMP Criteria applied: PVS1, PM2_supporting (Richards 2015).

Labcorp Genetics (formerly Invitae), Labcorp
Classification: Pathogenic for Cerebral creatine deficiency syndrome. Last evaluated: 2023-11-17. Review status: criteria provided, single submitter. Criteria: Invitae Variant Classification Sherloc (09022015). Collection method: clinical testing. Allele origin: germline. Not counted in ClinVar's aggregate classification.
Comment: This sequence change creates a premature translational stop signal (p.Asp31Alafs*13) in the GAMT gene. It is expected to result in an absent or disrupted protein product. Loss-of-function variants in GAMT are known to be pathogenic (PMID: 15108290). This variant is present in population databases (no rsID available, gnomAD 0.02%). This variant has not been reported in the literature in individuals affected with GAMT-related conditions. ClinVar contains an entry for this variant (Variation ID: 939992). For these reasons, this variant has been classified as Pathogenic.

Baylor Genetics
Classification: Likely pathogenic for Deficiency of guanidinoacetate methyltransferase. Last evaluated: 2023-07-04. Review status: criteria provided, single submitter. Criteria: ACMG Guidelines, 2015. Collection method: clinical testing. Allele origin: unknown. Not counted in ClinVar's aggregate classification.

Revvity Omics, Revvity
Classification: Likely pathogenic for Deficiency of guanidinoacetate methyltransferase. Last evaluated: 2021-10-18. Review status: criteria provided, single submitter. Criteria: ACMG Guidelines, 2015. Collection method: clinical testing. Allele origin: germline. Not counted in ClinVar's aggregate classification.

Literature cited by the submitters: PubMed 15108290 (cited by Labcorp Genetics (formerly Invitae), Labcorp).